The following is an entry in ClinVar:

ClinVar aggregate classification (germline): Uncertain significance (1 of 4 stars; one submission).

Conditions:
Inborn genetic diseases. Identifiers: MedGen C0950123, MeSH D030342.

gnomAD v4.1: 2 of 1,613,906 alleles (0.00012%); highest among the groups gnomAD compares: Non-Finnish European, 0.000085%; no homozygotes.

Submission:

Ambry Genetics
Classification: Uncertain significance for Inborn genetic diseases. Last evaluated: 2025-05-10. Review status: criteria provided, single submitter. Criteria: Ambry Variant Classification Scheme 2023. Collection method: clinical testing. Allele origin: germline.
Comment: The p.L74F variant (also known as c.220C>T), located in coding exon 3 of the FANCA gene, results from a C to T substitution at nucleotide position 220. The leucine at codon 74 is replaced by phenylalanine, an amino acid with highly similar properties. This amino acid position is conserved. In addition, this alteration is predicted to be tolerated by in silico analysis. Based on the available evidence, the clinical significance of this variant remains unclear.

NM_000135.4(FANCA):c.220C>T (p.Leu74Phe)

Gene: FANCA (FA complementation group A; minus strand). Cytogenetic location: 16q24.3.
Variant type: single nucleotide variant.
Coding change: c.220C>T on transcript NM_000135.4 (MANE Select); coding-DNA position 220, C replaced by T.
Protein change: p.Leu74Phe; replaces leucine 74 with phenylalanine.
Molecular consequence: missense variant.
Genome position (GRCh38, 1-based): chr16:89,814,583, G>A on the plus strand (C>T on the coding strand, the complement: FANCA is on the minus strand). VCF-style: chr16-89814583-G-A. GRCh37 (hg19) VCF-style: chr16-89880991-G-A.
Other names: c.220C>T, p.Leu74Phe (NM_001018112.3, NM_001286167.3, NM_001351830.2); short protein forms L74F.
Identifiers: ClinVar variation 4022260 (VCV004022260.1).